The following is an entry in ClinVar:

ClinVar aggregate classification (germline): not provided (0 of 4 stars; one submission).

gnomAD v4.1: 1 of 1,588,716 alleles (0.000063%); highest among the groups gnomAD compares: Non-Finnish European, 0.000086%; no homozygotes.

Submission:

Human Evolutionary Genetics, Institut Pasteur
No classification provided. Review status: no classification provided. Collection method: not provided. Allele origin: germline.
ClinVar note: Converted during submission from untested to not provided.

NM_178844.3(NLRC3):c.2757C>T (p.Ser919=)

Gene: NLRC3 (NLR family CARD domain containing 3; minus strand). Cytogenetic location: 16p13.3.
Variant type: single nucleotide variant.
Coding change: c.2757C>T on transcript NM_178844.3; coding-DNA position 2757, C replaced by T.
Protein change: p.Ser919=; no amino-acid change (serine 919 retained).
Molecular consequence: synonymous variant (on NM_178844.4). On other transcripts: non-coding transcript variant (1).
Genome position (GRCh38, 1-based): chr16:3,548,149, G>A on the plus strand (C>T on the coding strand, the complement: NLRC3 is on the minus strand). VCF-style: chr16-3548149-G-A. GRCh37 (hg19) VCF-style: chr16-3598149-G-A.
Other names: c.2757C>T, p.Ser919= (NM_178844.4).
Identifiers: ClinVar variation 103371 (VCV000103371.2), dbSNP rs199476286, ClinGen allele CA276958582.